The following is an entry in ClinVar:

ClinVar aggregate classification (germline): Uncertain significance (1 of 4 stars; one submission).

gnomAD v4.1: 4 of 1,613,908 alleles (0.00025%); highest among the groups gnomAD compares: Non-Finnish European, 0.00034%; no homozygotes.

Submission:

Women's Health and Genetics/Laboratory Corporation of America, LabCorp
Classification: Uncertain significance. Last evaluated: 2026-01-23. Review status: criteria provided, single submitter. Criteria: LabCorp Variant Classification Summary - May 2015. Collection method: clinical testing. Allele origin: germline.
Comment: Variant summary: SLC4A1 c.1364G>C (p.Gly455Ala) results in a non-conservative amino acid change in the encoded protein sequence. Algorithms developed to predict the effect of missense changes on protein structure and function are either unavailable or do not agree on the potential impact of this missense change. The variant allele was found at a frequency of 4e-06 in 250954 control chromosomes. The available data on variant occurrences in the general population are insufficient to allow any conclusion about variant significance. To our knowledge, no occurrence of c.1364G>C in individuals affected with SLC4A1-related conditions and no experimental evidence demonstrating its impact on protein function have been reported. No submitters have cited clinical-significance assessments for this variant to ClinVar. Based on the evidence outlined above, the variant was classified as uncertain significance.

NM_000342.4(SLC4A1):c.1364G>C (p.Gly455Ala)

Gene: SLC4A1 (solute carrier family 4 member 1 (Diego blood group); minus strand). Cytogenetic location: 17q21.31.
Variant type: single nucleotide variant.
Coding change: c.1364G>C on transcript NM_000342.4 (MANE Select); coding-DNA position 1364, G replaced by C.
Protein change: p.Gly455Ala; replaces glycine 455 with alanine.
Molecular consequence: missense variant.
Genome position (GRCh38, 1-based): chr17:44,257,726, C>G on the plus strand (G>C on the coding strand, the complement: SLC4A1 is on the minus strand). VCF-style: chr17-44257726-C-G. GRCh37 (hg19) VCF-style: chr17-42335094-C-G.
Other names: short protein forms G455A.
Identifiers: ClinVar variation 4689747 (VCV004689747.1).